The following is an entry in ClinVar:

NM_144997.7(FLCN):c.774del (p.Phe258fs)

Gene: FLCN (folliculin; minus strand). Cytogenetic location: 17p11.2.
Variant type: Deletion.
Coding change: c.774del on transcript NM_144997.7 (MANE Select); coding-DNA position 774, one base deleted (T; older notation c.774delT).
Protein change: p.Phe258fs; shifts the reading frame from phenylalanine 258.
Molecular consequence: frameshift variant.
Genome position (GRCh38, 1-based): chr17:17,222,506, A deleted on the plus strand (T on the coding strand, the reverse complement: FLCN is on the minus strand); the first of 3 consecutive A bases (chr17:17,222,506-17,222,508); deleting any one gives the same sequence. VCF-style (leftmost placement, unchanged base first): chr17-17222505-CA-C. GRCh37 (hg19) VCF-style: chr17-17125819-CA-C.
Other names: c.828del, p.Phe276fs (NM_001353229.2); c.774del, p.Phe258fs (NM_001353230.2, NM_001353231.2, NM_144606.7); short protein forms F258fs, F276fs.
Identifiers: ClinVar variation 1460430 (VCV001460430.6), dbSNP rs2144947980, ClinGen allele CA2573153106.
Genomic context (GRCh38, chr17:17,222,505, plus strand): 5'-ATGTATCGTGACTGCTCTATCCTAACAGATATGCCAAAAGCAGAGACGCCCGTTACCAGG[CA>C]AAGGAGGTGTGCAGGCACGCCCACAGGTTGTCATCACTTGTCAGCGATGTCAGCGAGCGG-3'

ClinVar aggregate classification (germline): Pathogenic (1 of 4 stars; one submission).

Conditions:
Birt-Hogg-Dube syndrome. Also called: Birt Hogg Dubé syndrome. Identifiers: Orphanet 122, MedGen C0346010, MONDO:0800444.

Submission:

Labcorp Genetics (formerly Invitae), Labcorp
Classification: Pathogenic for Birt-Hogg-Dube syndrome. Last evaluated: 2021-03-06. Review status: criteria provided, single submitter. Criteria: Invitae Variant Classification Sherloc (09022015). Collection method: clinical testing. Allele origin: germline.
Comment: This variant is not present in population databases (ExAC no frequency). This sequence change creates a premature translational stop signal (p.Phe258Leufs*5) in the FLCN gene. It is expected to result in an absent or disrupted protein product. Loss-of-function variants in FLCN are known to be pathogenic (PMID: 15852235). This variant has not been reported in the literature in individuals with FLCN-related conditions. For these reasons, this variant has been classified as Pathogenic.

Literature cited by the submitters: PubMed 15852235.